The following is an entry in ClinVar:

ClinVar aggregate classification (germline): Likely benign (0 of 4 stars; one submission).

Conditions:
PLXNA4-related disorder. Also called: PLXNA4-related condition.

gnomAD v4.1: 4 of 1,609,108 alleles (0.00025%); highest among the groups gnomAD compares: Non-Finnish European, 0.00034%; no homozygotes.

Submission:

PreventionGenetics, part of Exact Sciences
Classification: Likely benign for PLXNA4-related condition. Last evaluated: 2022-03-17. Review status: no assertion criteria provided. Collection method: clinical testing. Allele origin: germline.
Comment: This variant is classified as likely benign based on ACMG/AMP sequence variant interpretation guidelines (Richards et al. 2015 PMID: 25741868, with internal and published modifications).

NM_020911.2(PLXNA4):c.2439G>A (p.Leu813=)

Gene: PLXNA4 (plexin A4; minus strand). Cytogenetic location: 7q32.3.
Variant type: single nucleotide variant.
Coding change: c.2439G>A on transcript NM_020911.2 (MANE Select); coding-DNA position 2439, G replaced by A.
Protein change: p.Leu813=; no amino-acid change (leucine 813 retained).
Molecular consequence: synonymous variant.
Genome position (GRCh38, 1-based): chr7:132,202,793, C>T on the plus strand (G>A on the coding strand, the complement: PLXNA4 is on the minus strand). VCF-style: chr7-132202793-C-T. GRCh37 (hg19) VCF-style: chr7-131887552-C-T.
Other names: c.2439G>A, p.Leu813= (NM_001393897.1).
Identifiers: ClinVar variation 3357369 (VCV003357369.1).